The following is an entry in ClinVar:

ClinVar aggregate classification (germline): Uncertain significance (1 of 4 stars; one submission).

gnomAD v4.1: 12 of 1,613,974 alleles (0.00074%); highest among the groups gnomAD compares: East Asian, 0.027%; no homozygotes.

Submission:

Labcorp Genetics (formerly Invitae), Labcorp
Classification: Uncertain significance. Last evaluated: 2023-07-17. Review status: criteria provided, single submitter. Criteria: Invitae Variant Classification Sherloc (09022015). Collection method: clinical testing. Allele origin: germline.
Comment: In summary, the available evidence is currently insufficient to determine the role of this variant in disease. Therefore, it has been classified as a Variant of Uncertain Significance. Advanced modeling of protein sequence and biophysical properties (such as structural, functional, and spatial information, amino acid conservation, physicochemical variation, residue mobility, and thermodynamic stability) performed at Invitae indicates that this missense variant is not expected to disrupt TUBGCP4 protein function. ClinVar contains an entry for this variant (Variation ID: 2108390). This variant has not been reported in the literature in individuals affected with TUBGCP4-related conditions. This variant is present in population databases (rs555525325, gnomAD 0.01%). This sequence change replaces histidine, which is basic and polar, with leucine, which is neutral and non-polar, at codon 116 of the TUBGCP4 protein (p.His116Leu).

NM_014444.5(TUBGCP4):c.347A>T (p.His116Leu)

Gene: TUBGCP4 (tubulin gamma complex component 4; plus strand). Cytogenetic location: 15q15.3.
Variant type: single nucleotide variant.
Coding change: c.347A>T on transcript NM_014444.5 (MANE Select); coding-DNA position 347, A replaced by T.
Protein change: p.His116Leu; replaces histidine 116 with leucine.
Molecular consequence: missense variant.
Genome position (GRCh38, 1-based): chr15:43,377,030, A>T. VCF-style: chr15-43377030-A-T. GRCh37 (hg19) VCF-style: chr15-43669228-A-T.
Other names: c.347A>T, p.His116Leu (NM_001286414.3); short protein forms H116L.
Identifiers: ClinVar variation 2108390 (VCV002108390.4), dbSNP rs555525325, ClinGen allele CA7523744.